The following is an entry in ClinVar:

NM_183050.4(BCKDHB):c.833G>A (p.Gly278Asp)

Gene: BCKDHB (branched chain keto acid dehydrogenase E1 subunit beta; plus strand). Cytogenetic location: 6q14.1.
Variant type: single nucleotide variant.
Coding change: c.833G>A on transcript NM_183050.4 (MANE Select); coding-DNA position 833, G replaced by A.
Protein change: p.Gly278Asp; replaces glycine 278 with aspartic acid.
Molecular consequence: missense variant. On other transcripts: non-coding transcript variant (6).
Genome position (GRCh38, 1-based): chr6:80,201,024, G>A. VCF-style: chr6-80201024-G-A. GRCh37 (hg19) VCF-style: chr6-80910741-G-A.
Other names: c.833G>A, p.Gly278Asp (NM_001424040.1, NM_001424041.1, NM_001424042.1 and 7 more transcripts); c.623G>A, p.Gly208Asp (NM_001424043.1, NM_001318975.1); short protein forms G208D, G278D.
Identifiers: ClinVar variation 3251982 (VCV003251982.1), dbSNP rs2482243041.
Genomic context (GRCh38, chr6:80,201,024, plus strand): 5'-TCCCACTGTCCCAGGCCGAAGTCATACAGGAAGGGAGTGATGTTACTCTAGTTGCCTGGG[G>A]CACTCAGGTGAGTAGCATTGATCCCAACTGTTAAAACCTACGTTGTGCTTGGAAGCTCTC-3'
Protein context (NP_898871.1, residues 268-288): EGSDVTLVAW[Gly278Asp]TQVHVIREVA

ClinVar aggregate classification (germline): Likely pathogenic (1 of 4 stars; one submission).

Conditions:
Maple syrup urine disease type 1B (MSUD1B). Also called: MSUD type IB; MSUD type 3 (formerly); MSUD due to deficiency of e1-beta subunit of branched-chain alpha-keto acid dehydrogenase complex. Identifiers: MedGen C2930990, MONDO:0023692, OMIM 620698.

Submission:

Diagnostics Services (NGS), CSIR - Centre For Cellular And Molecular Biology
Classification: Likely pathogenic for Maple syrup urine disease type 1B. Last evaluated: 2024-06-20. Review status: criteria provided, single submitter. Criteria: ACMG Guidelines, 2015. Collection method: clinical testing. Allele origin: germline. Affected: yes. Observed: 1 variant allele, 1 homozygote.
Comment: The c.833G>A variant is not present in publicly available population databases like 1000 Genomes, EVS, gnomAD, ExAC, Indian Exome Database or our in-house exome database. This variant has neither been published in literature nor reported to clinical databases like ClinVar, Human Genome Mutation Database (HGMD) or OMIM, in any affected individuals. In-silico pathogenicity prediction programs like SIFT, PolyPhen-2, MutationTaster2, CADD, Varsome, Franklin etc predicted this variant to be likely deleterious however these predictions were not confirmed by published functional studies. A different amino acid change in the same codon (Gly278Ser) has been observed in the affected individuals, published in the literature several times and reported to the HGMD (ID: CM014512) and ClinVar database (Accession: VCV000065771.51) as ‘pathogenic/likely pathogenic’ by multiple submitters.